The following is an entry in ClinVar:

ClinVar aggregate classification (germline): Uncertain significance (1 of 4 stars; one submission).

Conditions:
Autism, susceptibility to, X-linked 1 (AUTSX1). Also called: Autism susceptibility, X-linked 1. Identifiers: MedGen C1845540, MONDO:0010321, OMIM 300425.

Submission:

Human Genetics Bochum, Ruhr University Bochum
Classification: Uncertain significance for Autism, susceptibility to, X-linked 1. Last evaluated: 2026-06-22. Review status: criteria provided, single submitter. Criteria: ACMG Guidelines, 2015. Collection method: clinical testing. Allele origin: germline. Affected: yes.
Comment: de novo; ACMG criteria used to clasify this variant: PS2, PM2_SUP, PP2, BP4

NM_181303.2(NLGN3):c.2068G>C (p.Asp690His)

Gene: NLGN3 (neuroligin 3; plus strand). Cytogenetic location: Xq13.1.
Variant type: single nucleotide variant.
Coding change: c.2068G>C on transcript NM_181303.2 (MANE Select); coding-DNA position 2068, G replaced by C.
Protein change: p.Asp690His; replaces aspartic acid 690 with histidine.
Molecular consequence: missense variant.
Genome position (GRCh38, 1-based): chrX:71,169,618, G>C. VCF-style: chrX-71169618-G-C. GRCh37 (hg19) VCF-style: chrX-70389468-G-C.
Other names: c.2008G>C, p.Asp670His (NM_018977.4); c.1948G>C, p.Asp650His (NM_001166660.2); c.1657G>C, p.Asp553His (NM_001321276.2, NM_001438298.1); c.1717G>C, p.Asp573His (NM_001437941.1, NM_001438296.1); short protein forms D553H, D573H, D650H, D670H, D690H.
Identifiers: ClinVar variation 4876783 (VCV004876783.1).